The following is an entry in ClinVar:

NM_001354604.2(MITF):c.829A>G (p.Ile277Val)

Gene: MITF (melanocyte inducing transcription factor; plus strand). Cytogenetic location: 3p13.
Variant type: single nucleotide variant.
Coding change: c.829A>G on transcript NM_001354604.2 (MANE Select); coding-DNA position 829, A replaced by G.
Protein change: p.Ile277Val; replaces isoleucine 277 with valine.
Molecular consequence: missense variant.
Genome position (GRCh38, 1-based): chr3:69,949,117, A>G. VCF-style: chr3-69949117-A-G. GRCh37 (hg19) VCF-style: chr3-69998268-A-G.
Other names: c.826A>G, p.Ile276Val (NM_001354605.2, NM_001354606.2, NM_006722.3); c.778A>G, p.Ile260Val (NM_001354607.2); c.673A>G, p.Ile225Val (NM_001354608.2, NM_001184967.2); c.508A>G, p.Ile170Val (NM_198158.3, NM_000248.4); c.829A>G, p.Ile277Val (NM_198159.3); c.781A>G, p.Ile261Val (NM_198177.3); c.340A>G, p.Ile114Val (NM_198178.3); short protein forms I114V, I170V, I225V, I260V, I261V, I276V, I277V.
Identifiers: ClinVar variation 3752188 (VCV003752188.3).

ClinVar aggregate classification (germline): Uncertain significance. Review status: criteria provided, multiple submitters, no conflicts (2 of 4 stars). 2 submissions from 2 submitters: Uncertain significance (2). Last evaluated 2026-03-15.

Conditions:
Hereditary cancer-predisposing syndrome. Also called: Hereditary Cancer Syndrome; Hereditary neoplastic syndrome; Neoplastic Syndromes, Hereditary; Tumor predisposition. Identifiers: Orphanet 140162, MedGen C0027672, MeSH D009386, MONDO:0015356.
Tietz syndrome (TADS). Also called: ALBINISM-DEAFNESS OF TIETZ; HYPOPIGMENTATION/DEAFNESS OF TIETZ; TIETZ ALBINISM-DEAFNESS SYNDROME. Identifiers: Orphanet 42665, MedGen C0391816, MONDO:0007077, OMIM 103500.
Waardenburg syndrome type 2A (WS2A). Also called: WAARDENBURG SYNDROME WITHOUT DYSTOPIA CANTHORUM. Identifiers: Orphanet 3440, MedGen C1860339, MONDO:0008671, OMIM 193510.
Melanoma, cutaneous malignant, susceptibility to, 8. Also called: Cutaneous malignant melanoma 8; MELANOMA AND RENAL CELL CARCINOMA, SUSCEPTIBILITY TO. Identifiers: Orphanet 293822, MedGen C3152204, MONDO:0013759, OMIM 614456.

gnomAD v4.1: 1 of 1,613,792 alleles (0.000062%); highest among the groups gnomAD compares: Admixed American, 0.0017%; no homozygotes.

Submissions (2):

Ambry Genetics
Classification: Uncertain significance for Hereditary cancer-predisposing syndrome. Last evaluated: 2026-03-15. Review status: criteria provided, single submitter. Criteria: Ambry Variant Classification Scheme 2023. Collection method: clinical testing. Allele origin: germline.
Comment: The p.I170V variant (also known as c.508A>G), located in coding exon 5 of the MITF gene, results from an A to G substitution at nucleotide position 508. The isoleucine at codon 170 is replaced by valine, an amino acid with highly similar properties. This amino acid position is conserved. In addition, this alteration is predicted to be tolerated by in silico analysis. Based on the available evidence, the clinical significance of this variant remains unclear.

Labcorp Genetics (formerly Invitae), Labcorp
Classification: Uncertain significance for Melanoma, cutaneous malignant, susceptibility to, 8; Waardenburg syndrome type 2A; Tietz syndrome. Last evaluated: 2024-10-26. Review status: criteria provided, single submitter. Criteria: Invitae Variant Classification Sherloc (09022015). Collection method: clinical testing. Allele origin: germline.
Comment: This sequence change replaces isoleucine, which is neutral and non-polar, with valine, which is neutral and non-polar, at codon 170 of the MITF protein (p.Ile170Val). This variant is present in population databases (rs761213984, gnomAD 0.003%). This variant has not been reported in the literature in individuals affected with MITF-related conditions. Invitae Evidence Modeling of protein sequence and biophysical properties (such as structural, functional, and spatial information, amino acid conservation, physicochemical variation, residue mobility, and thermodynamic stability) indicates that this missense variant is not expected to disrupt MITF protein function with a negative predictive value of 80%. In summary, the available evidence is currently insufficient to determine the role of this variant in disease. Therefore, it has been classified as a Variant of Uncertain Significance.